The following is an entry in ClinVar:

ClinVar aggregate classification (germline): Uncertain significance (1 of 4 stars; one submission).

Conditions:
Retinoblastoma (RB1). Also called: RETINOBLASTOMA, SOMATIC. Identifiers: Orphanet 790, MedGen C0035335, MeSH D012175, MONDO:0008380, OMIM 180200, HP:0009919. Disease mechanism: loss of function. Inheritance: Both sporadic and heritable forms are tested..

Submission:

Labcorp Genetics (formerly Invitae), Labcorp
Classification: Uncertain significance for Retinoblastoma. Last evaluated: 2020-09-02. Review status: criteria provided, single submitter. Criteria: Invitae Variant Classification Sherloc (09022015). Collection method: clinical testing. Allele origin: germline.
Comment: This sequence change replaces alanine with valine at codon 562 of the RB1 protein (p.Ala562Val). The alanine residue is highly conserved and there is a small physicochemical difference between alanine and valine. This variant is not present in population databases (ExAC no frequency). This variant has not been reported in the literature in individuals with RB1-related conditions. Algorithms developed to predict the effect of missense changes on protein structure and function (SIFT, PolyPhen-2, Align-GVGD) all suggest that this variant is likely to be disruptive, but these predictions have not been confirmed by published functional studies and their clinical significance is uncertain. Algorithms developed to predict the effect of sequence changes on RNA splicing suggest that this variant may create or strengthen a splice site, but this prediction has not been confirmed by published transcriptional studies. In summary, the available evidence is currently insufficient to determine the role of this variant in disease. Therefore, it has been classified as a Variant of Uncertain Significance.

NM_000321.3(RB1):c.1685C>T (p.Ala562Val)

Gene: RB1 (RB transcriptional corepressor 1; plus strand). Cytogenetic location: 13q14.2.
Variant type: single nucleotide variant.
Coding change: c.1685C>T on transcript NM_000321.3 (MANE Select); coding-DNA position 1685, C replaced by T.
Protein change: p.Ala562Val; replaces alanine 562 with valine.
Molecular consequence: missense variant.
Genome position (GRCh38, 1-based): chr13:48,381,433, C>T. VCF-style: chr13-48381433-C-T. GRCh37 (hg19) VCF-style: chr13-48955569-C-T.
Other names: short protein forms A562V.
Identifiers: ClinVar variation 1008029 (VCV001008029.9), dbSNP rs1948535194, ClinGen allele CA388164050.